The following is an entry in ClinVar:

NM_173076.3(ABCA12):c.993C>T (p.Ser331=)

Gene: ABCA12 (ATP binding cassette subfamily A member 12; minus strand). Cytogenetic location: 2q35.
Variant type: single nucleotide variant.
Coding change: c.993C>T on transcript NM_173076.3 (MANE Select); coding-DNA position 993, C replaced by T.
Protein change: p.Ser331=; no amino-acid change (serine 331 retained).
Molecular consequence: synonymous variant. On other transcripts: non-coding transcript variant (1).
Genome position (GRCh38, 1-based): chr2:215,031,889, G>A on the plus strand (C>T on the coding strand, the complement: ABCA12 is on the minus strand). VCF-style: chr2-215031889-G-A. GRCh37 (hg19) VCF-style: chr2-215896613-G-A.
Other names: c.993C>T (NM_173076.2); c.39C>T, p.Ser13= (NM_015657.4).
Identifiers: ClinVar variation 2912450 (VCV002912450.5), dbSNP rs537269523, ClinGen allele CA2092366.

ClinVar aggregate classification (germline): Likely benign. Review status: criteria provided, single submitter (1 of 4 stars). 2 submissions from 2 submitters: Likely benign (1). 1 of the submissions does not count toward it. Last evaluated 2024-01-02.

Conditions:
ABCA12-related disorder. Also called: ABCA12-related condition.

Allele frequency attached by ClinVar (database versions not stated): gnomAD exomes 0.00003; gnomAD 0.00005; ExAC 0.00006; 1000 Genomes Project 30x 0.00016; 1000 Genomes Project 0.00020.
gnomAD v4.1: 53 of 1,613,664 alleles (0.0033%); highest among the groups gnomAD compares: South Asian, 0.036%; no homozygotes.

Submissions (2):

Labcorp Genetics (formerly Invitae), Labcorp
Classification: Likely benign. Last evaluated: 2024-01-02. Review status: criteria provided, single submitter. Criteria: Invitae Variant Classification Sherloc (09022015). Collection method: clinical testing. Allele origin: germline.

PreventionGenetics, part of Exact Sciences
Classification: Likely benign for ABCA12-related condition. Last evaluated: 2022-04-27. Review status: no assertion criteria provided. Collection method: clinical testing. Allele origin: germline. Not counted in ClinVar's aggregate classification.
Comment: This variant is classified as likely benign based on ACMG/AMP sequence variant interpretation guidelines (Richards et al. 2015 PMID: 25741868, with internal and published modifications).